The following is an entry in ClinVar:

NM_001330360.2(POLA1):c.1503A>G (p.Gly501=)

Gene: POLA1 (DNA polymerase alpha 1, catalytic subunit; plus strand). Cytogenetic location: Xp22.11.
Variant type: single nucleotide variant.
Coding change: c.1503A>G on transcript NM_001330360.2 (MANE Select); coding-DNA position 1503, A replaced by G.
Protein change: p.Gly501=; no amino-acid change (glycine 501 retained).
Molecular consequence: synonymous variant. On other transcripts: non-coding transcript variant (2).
Genome position (GRCh38, 1-based): chrX:24,727,043, A>G. VCF-style: chrX-24727043-A-G. GRCh37 (hg19) VCF-style: chrX-24745160-A-G.
Other names: c.1428A>G, p.Gly476= (NM_001378303.1); c.1485A>G, p.Gly495= (NM_016937.4).
Identifiers: ClinVar variation 1158076 (VCV001158076.12), dbSNP rs375636711, ClinGen allele CA10372985.

ClinVar aggregate classification (germline): Likely benign. Review status: criteria provided, multiple submitters, no conflicts (2 of 4 stars). 4 submissions from 4 submitters: Likely benign (4). Last evaluated 2026-09-01.

Allele frequency attached by ClinVar (database versions not stated): gnomAD exomes 0.00003 and 0.00006; TOPMed 0.00004; gnomAD 0.00005; ExAC 0.00007; ESP Exome Variant Server 0.00009.
gnomAD v4.1: 45 of 1,202,174 alleles (0.0037%); highest among the groups gnomAD compares: Middle Eastern, 0.16%; no homozygotes.

Submissions (4):

CeGaT Center for Human Genetics Tuebingen
Classification: Likely benign. Last evaluated: 2026-09-01. Review status: criteria provided, single submitter. Criteria: CeGaT Center For Human Genetics Tuebingen Variant Classification Criteria Version 2. Collection method: clinical testing. Allele origin: germline. Affected: yes. Observed: 1 variant allele.
Comment: POLA1: BP4, BS2

Labcorp Genetics (formerly Invitae), Labcorp
Classification: Likely benign. Last evaluated: 2026-01-12. Review status: criteria provided, single submitter. Criteria: Invitae Variant Classification Sherloc (09022015). Collection method: clinical testing. Allele origin: germline.

Blueprint Genetics
Classification: Likely benign. Last evaluated: 2024-07-31. Review status: criteria provided, single submitter. Criteria: ACMG Guidelines, 2015. Collection method: clinical testing. Allele origin: germline.

Breakthrough Genomics
Classification: Likely benign. Review status: criteria provided, single submitter. Criteria: ACMG Guidelines, 2015. Collection method: not provided. Allele origin: germline. Inheritance: X-linked inheritance. Affected: yes.